The following is an entry in ClinVar:

ClinVar aggregate classification (germline): Pathogenic (1 of 4 stars; one submission).

Conditions:
Propionic acidemia (PROP). Also called: GLYCINEMIA, KETOTIC; HYPERGLYCINEMIA WITH KETOACIDOSIS AND LEUKOPENIA; KETOTIC HYPERGLYCINEMIA. Identifiers: Orphanet 35, MedGen C0268579, MONDO:0011628, OMIM 606054, HP:0003571.

gnomAD v4.1: 1 of 1,611,552 alleles (0.000062%); highest among the groups gnomAD compares: Non-Finnish European, 0.000085%; no homozygotes.

Submission:

Labcorp Genetics (formerly Invitae), Labcorp
Classification: Pathogenic for Propionic acidemia. Last evaluated: 2023-08-20. Review status: criteria provided, single submitter. Criteria: Invitae Variant Classification Sherloc (09022015). Collection method: clinical testing. Allele origin: germline.
Comment: This sequence change creates a premature translational stop signal (p.Lys143*) in the PCCB gene. It is expected to result in an absent or disrupted protein product. Loss-of-function variants in PCCB are known to be pathogenic (PMID: 15464417). This variant is not present in population databases (gnomAD no frequency). This variant has not been reported in the literature in individuals affected with PCCB-related conditions. For these reasons, this variant has been classified as Pathogenic.

Literature cited by the submitters: PubMed 15464417.

NM_000532.5(PCCB):c.427A>T (p.Lys143Ter)

Gene: PCCB (propionyl-CoA carboxylase subunit beta; plus strand). Cytogenetic location: 3q22.3.
Variant type: single nucleotide variant.
Coding change: c.427A>T on transcript NM_000532.5 (MANE Select); coding-DNA position 427, A replaced by T.
Protein change: p.Lys143Ter; replaces lysine 143 with a stop codon.
Molecular consequence: nonsense.
Genome position (GRCh38, 1-based): chr3:136,260,533, A>T. VCF-style: chr3-136260533-A-T. GRCh37 (hg19) VCF-style: chr3-135979375-A-T.
Other names: c.487A>T, p.Lys163Ter (NM_001178014.2); short protein forms K163*, K143*.
Identifiers: ClinVar variation 2754180 (VCV002754180.3), dbSNP rs2108144496, ClinGen allele CA354739416.